The following is an entry in ClinVar:

ClinVar aggregate classification (germline): Uncertain significance. Review status: criteria provided, multiple submitters, no conflicts (2 of 4 stars). 2 submissions from 2 submitters: Uncertain significance (2). Last evaluated 2025-04-14.

Conditions:
Hereditary cancer-predisposing syndrome. Also called: Tumor predisposition; Hereditary neoplastic syndrome; Hereditary Cancer Syndrome; Neoplastic Syndromes, Hereditary. Identifiers: Orphanet 140162, MedGen C0027672, MeSH D009386, MONDO:0015356.

Allele frequency attached by ClinVar (database versions not stated): TOPMed below 0.00001.

Submissions (2):

Labcorp Genetics (formerly Invitae), Labcorp
Classification: Uncertain significance for Hereditary cancer-predisposing syndrome. Last evaluated: 2025-04-14. Review status: criteria provided, single submitter. Criteria: Invitae Variant Classification Sherloc (09022015). Collection method: clinical testing. Allele origin: germline.
Comment: This sequence change replaces glutamine, which is neutral and polar, with glutamic acid, which is acidic and polar, at codon 833 of the RAD50 protein (p.Gln833Glu). This variant is not present in population databases (gnomAD no frequency). This variant has not been reported in the literature in individuals affected with RAD50-related conditions. ClinVar contains an entry for this variant (Variation ID: 575567). Invitae Evidence Modeling of protein sequence and biophysical properties (such as structural, functional, and spatial information, amino acid conservation, physicochemical variation, residue mobility, and thermodynamic stability) indicates that this missense variant is not expected to disrupt RAD50 protein function with a negative predictive value of 80%. In summary, the available evidence is currently insufficient to determine the role of this variant in disease. Therefore, it has been classified as a Variant of Uncertain Significance.

Ambry Genetics
Classification: Uncertain significance for Hereditary cancer-predisposing syndrome. Last evaluated: 2018-10-21. Review status: criteria provided, single submitter. Criteria: Ambry Variant Classification Scheme 2023. Collection method: clinical testing. Allele origin: germline.
Comment: The p.Q833E variant (also known as c.2497C>G), located in coding exon 15 of the RAD50 gene, results from a C to G substitution at nucleotide position 2497. The glutamine at codon 833 is replaced by glutamic acid, an amino acid with highly similar properties. This amino acid position is highly conserved in available vertebrate species. In addition, the in silico prediction for this alteration is inconclusive. Since supporting evidence is limited at this time, the clinical significance of this alteration remains unclear.

NM_005732.4(RAD50):c.2497C>G (p.Gln833Glu)

Gene: RAD50 (RAD50 double strand break repair protein; plus strand). Cytogenetic location: 5q31.1.
Variant type: single nucleotide variant.
Coding change: c.2497C>G on transcript NM_005732.4 (MANE Select); coding-DNA position 2497, C replaced by G.
Protein change: p.Gln833Glu; replaces glutamine 833 with glutamic acid.
Molecular consequence: missense variant.
Genome position (GRCh38, 1-based): chr5:132,604,019, C>G. VCF-style: chr5-132604019-C-G. GRCh37 (hg19) VCF-style: chr5-131939711-C-G.
Other names: short protein forms Q833E.
Identifiers: ClinVar variation 575567 (VCV000575567.13), dbSNP rs1338301563, ClinGen allele CA360955799.
Genomic context (GRCh38, chr5:132,604,019, plus strand): 5'-GCAGCTAAGCTACAAGGAATAGACTTAGATCGAACTGTCCAACAAGTCAACCAGGAGAAA[C>G]AAGAGAAACAGCACAAGTTAGACACAGGTAATACAGTCTGTGTCCTTCTGTACTCATAGA-3'
Protein context (NP_005723.2, residues 823-843): RTVQQVNQEK[Gln833Glu]EKQHKLDTVS